The following is an entry in ClinVar:

ClinVar aggregate classification (germline): Conflicting classifications of pathogenicity. Review status: criteria provided, conflicting classifications (1 of 4 stars). 5 submissions from 5 submitters: Uncertain significance (3); Likely benign (2). Last evaluated 2026-01-14.

Conditions:
Cardiovascular phenotype. Identifiers: MedGen CN230736.
Dilated cardiomyopathy 1O (CMD1O). Also called: CARDIOMYOPATHY, DILATED, WITH VENTRICULAR TACHYCARDIA. Identifiers: Orphanet 154, MedGen C1837839, MONDO:0012062, OMIM 608569.

Allele frequency attached by ClinVar (database versions not stated): gnomAD 0.00004 and 0.00003; gnomAD exomes 0.00005 and 0.00003; TOPMed 0.00005; ExAC 0.00003.
gnomAD v4.1: 75 of 1,613,872 alleles (0.0046%); highest among the groups gnomAD compares: Non-Finnish European, 0.0053%; no homozygotes.

Submissions (5):

Labcorp Genetics (formerly Invitae), Labcorp
Classification: Uncertain significance for Dilated cardiomyopathy 1O. Last evaluated: 2026-01-14. Review status: criteria provided, single submitter. Criteria: Invitae Variant Classification Sherloc (09022015). Collection method: clinical testing. Allele origin: germline.
Comment: This sequence change replaces arginine, which is basic and polar, with glutamine, which is neutral and polar, at codon 96 of the ABCC9 protein (p.Arg96Gln). This variant is present in population databases (rs202103893, gnomAD 0.007%). This variant has not been reported in the literature in individuals affected with ABCC9-related conditions. ClinVar contains an entry for this variant (Variation ID: 191591). An algorithm developed to predict the effect of missense changes on protein structure and function outputs the following: PolyPhen-2: "Benign". The glutamine amino acid residue is found in multiple mammalian species, which suggests that this missense change does not adversely affect protein function. In summary, the available evidence is currently insufficient to determine the role of this variant in disease. Therefore, it has been classified as a Variant of Uncertain Significance.

Ambry Genetics
Classification: Likely benign for Cardiovascular phenotype. Last evaluated: 2023-11-27. Review status: criteria provided, single submitter. Criteria: Ambry Variant Classification Scheme 2023. Collection method: clinical testing. Allele origin: germline.

Blueprint Genetics
Classification: Likely benign. Last evaluated: 2023-03-21. Review status: criteria provided, single submitter. Criteria: ACMG Guidelines, 2015. Collection method: clinical testing. Allele origin: germline.

GeneDx
Classification: Uncertain significance. Last evaluated: 2019-09-06. Review status: criteria provided, single submitter. Criteria: GeneDx Variant Classification Process June 2021. Collection method: clinical testing. Allele origin: germline. Affected: yes.
Comment: Has not been published in association with cardiac disease to our knowledge but was reported in one individual from a cohort of individuals not selected for cardiomyopathy, arrhythmia or family history of sudden cardiac death who underwent exome sequencing (Ng et al., 2013), though no follow-up cardiac evaluation was reported; Reported in ClinVar as a variant of uncertain significance but additional evidence is not available (ClinVar Variant ID 191591; Landrum et al., 2016); In silico analysis, which includes protein predictors and evolutionary conservation, supports that this variant does not alter protein structure/function; This variant is associated with the following publications: (PMID: 23861362)

Biesecker Lab/Clinical Genomics Section, National Institutes of Health
Classification: Uncertain significance. Last evaluated: 2013-06-24. Review status: criteria provided, single submitter. Criteria: Ng et al. (Circ Cardiovasc Genet. 2013). Collection method: research. Allele origin: unknown. Observed: 1 variant allele. Study: ClinSeq.
Comment: The study set was not selected for affection status in relation to any cancer. Pathogenicity categories were based on literature curation. See Pubmed ID:23861362 for details.

Medical sequencing

NM_020297.4(ABCC9):c.287G>A (p.Arg96Gln)

Gene: ABCC9 (ATP binding cassette subfamily C member 9; minus strand). Cytogenetic location: 12p12.1.
Variant type: single nucleotide variant.
Coding change: c.287G>A on transcript NM_020297.4 (MANE Select); coding-DNA position 287, G replaced by A.
Protein change: p.Arg96Gln; replaces arginine 96 with glutamine.
Molecular consequence: missense variant. On other transcripts: 5 prime UTR variant (1).
Genome position (GRCh38, 1-based): chr12:21,926,061, C>T on the plus strand (G>A on the coding strand, the complement: ABCC9 is on the minus strand). VCF-style: chr12-21926061-C-T. GRCh37 (hg19) VCF-style: chr12-22078995-C-T.
Other names: p.R96Q:CGG>CAG; c.287G>A, p.Arg96Gln (NM_001377273.1, NM_005691.4); c.-168G>A (NM_001377274.1); short protein forms R96Q.
Identifiers: ClinVar variation 191591 (VCV000191591.10), dbSNP rs202103893, ClinGen allele CA302353.